The following is an entry in ClinVar:

NM_004006.3(DMD):c.5183G>C (p.Arg1728Pro)

Gene: DMD (dystrophin; minus strand). Cytogenetic location: Xp21.1.
Variant type: single nucleotide variant.
Coding change: c.5183G>C on transcript NM_004006.3 (MANE Select); coding-DNA position 5183, G replaced by C.
Protein change: p.Arg1728Pro; replaces arginine 1728 with proline.
Molecular consequence: missense variant.
Genome position (GRCh38, 1-based): chrX:32,362,930, C>G on the plus strand (G>C on the coding strand, the complement: DMD is on the minus strand). VCF-style: chrX-32362930-C-G. GRCh37 (hg19) VCF-style: chrX-32381047-C-G.
Other names: c.5159G>C, p.Arg1720Pro (NM_000109.4); c.5171G>C, p.Arg1724Pro (NM_004009.3); c.4814G>C, p.Arg1605Pro (NM_004010.3); c.1160G>C, p.Arg387Pro (NM_004011.4); c.1151G>C, p.Arg384Pro (NM_004012.4); short protein forms R1720P, R1728P, R1605P, R1724P, R384P, R387P.
Identifiers: ClinVar variation 1937181 (VCV001937181.6), dbSNP rs780599147, ClinGen allele CA412671335.

ClinVar aggregate classification (germline): Uncertain significance. Review status: criteria provided, multiple submitters, no conflicts (2 of 4 stars). 2 submissions from 2 submitters: Uncertain significance (2). Last evaluated 2026-07-13.

Conditions:
Cardiovascular phenotype. Identifiers: MedGen CN230736.
Duchenne muscular dystrophy (DMD). Also called: MUSCULAR DYSTROPHY, PSEUDOHYPERTROPHIC PROGRESSIVE, DUCHENNE TYPE; Duchenne Muscular Dystrophy (DMD). Identifiers: Orphanet 98896, MedGen C0013264, MONDO:0010679, OMIM 310200.

Submissions (2):

Ambry Genetics
Classification: Uncertain significance for Cardiovascular phenotype. Last evaluated: 2026-07-13. Review status: criteria provided, single submitter. Criteria: Ambry Variant Classification Scheme 2023. Collection method: clinical testing. Allele origin: germline.
Comment: The p.R1728P variant (also known as c.5183G>C), located in coding exon 37 of the DMD gene, results from a G to C substitution at nucleotide position 5183. The arginine at codon 1728 is replaced by proline, an amino acid with dissimilar properties. This amino acid position is conserved. In addition, this alteration is predicted to be tolerated by in silico analysis. Based on the available evidence, the clinical significance of this variant remains unclear.

Labcorp Genetics (formerly Invitae), Labcorp
Classification: Uncertain significance for Duchenne muscular dystrophy. Last evaluated: 2026-01-18. Review status: criteria provided, single submitter. Criteria: Invitae Variant Classification Sherloc (09022015). Collection method: clinical testing. Allele origin: germline.
Comment: This sequence change replaces arginine, which is basic and polar, with proline, which is neutral and non-polar, at codon 1728 of the DMD protein (p.Arg1728Pro). This variant is not present in population databases (gnomAD no frequency). This variant has not been reported in the literature in individuals affected with DMD-related conditions. ClinVar contains an entry for this variant (Variation ID: 1937181). Invitae Evidence Modeling of protein sequence and biophysical properties (such as structural, functional, and spatial information, amino acid conservation, physicochemical variation, residue mobility, and thermodynamic stability) indicates that this missense variant is not expected to disrupt DMD protein function with a negative predictive value of 95%. In summary, the available evidence is currently insufficient to determine the role of this variant in disease. Therefore, it has been classified as a Variant of Uncertain Significance.